The following is an entry in ClinVar:

ClinVar aggregate classification (germline): Pathogenic (1 of 4 stars; one submission).

Submission:

GeneDx
Classification: Pathogenic. Last evaluated: 2017-01-25. Review status: criteria provided, single submitter. Criteria: GeneDx Variant Classification (06012015). Collection method: clinical testing. Allele origin: germline. Affected: yes.
Comment: The c.2844dupA variant in the RAB3GAP2 gene has not been reported previously as a pathogenic variant nor as a benign variant, to our knowledge. The c.2844dupA variant causes a frameshift starting with codon Glutamine 949, changes this amino acid to a Threonine residue, and creates a premature Stop codon at position 6 of the new reading frame, denoted p.Gln949ThrfsX6. This variant is predicted to cause loss of normal protein function either through protein truncation or nonsense-mediated mRNA decay. The c.2844dupA variant was not observed in approximately 6500 individuals of European and African American ancestry in the NHLBI Exome Sequencing Project, indicating it is not a common benign variant in these populations. We interpret c.2844dupA as a pathogenic variant.

NM_012414.4(RAB3GAP2):c.2844dup (p.Gln949fs)

Gene: RAB3GAP2 (RAB3 GTPase activating non-catalytic protein subunit 2; minus strand). Cytogenetic location: 1q41.
Variant type: Duplication.
Coding change: c.2844dup on transcript NM_012414.4 (MANE Select); coding-DNA position 2844, one base duplicated (A; older notation c.2844dupA).
Protein change: p.Gln949fs; shifts the reading frame from glutamine 949.
Molecular consequence: frameshift variant.
Genome position (GRCh38, 1-based): chr1:220,167,638, T duplicated on the plus strand (A on the coding strand, the reverse complement: RAB3GAP2 is on the minus strand); the first of 3 consecutive T bases (chr1:220,167,638-220,167,640); duplicating any one gives the same sequence. VCF-style (leftmost placement, unchanged base first): chr1-220167637-G-GT. GRCh37 (hg19) VCF-style: chr1-220340979-G-GT.
Other names: short protein forms Q949fs.
Identifiers: ClinVar variation 423205 (VCV000423205.2), dbSNP rs1553274382, ClinGen allele CA16617068.